The following is an entry in ClinVar:

ClinVar aggregate classification (germline): Benign. Review status: criteria provided, multiple submitters, no conflicts (2 of 4 stars). 2 submissions from 2 submitters: Benign (2). Last evaluated 2018-01-12.

Conditions:
Dermatofibrosis lenticularis disseminata (BOS). Also called: DERMATOFIBROSIS LENTICULARIS DISSEMINATA WITH OSTEOPOIKILOSIS; DERMATOOSTEOPOIKILOSIS; OSTEOPATHIA CONDENSANS DISSEMINATA. Identifiers: Orphanet 1306, MedGen C0265514, MONDO:0008157, OMIM 166700.

Allele frequency attached by ClinVar (database versions not stated): 1000 Genomes Project 0.00200; 1000 Genomes Project 30x 0.00219; TOPMed 0.00489; gnomAD 0.00507 and 0.00510; gnomAD exomes 0.00528.
gnomAD v4.1: 807 of 160,896 alleles (0.5%); highest among the groups gnomAD compares: Non-Finnish European, 0.91%; 4 homozygotes.

Submissions (2):

Illumina Laboratory Services, Illumina
Classification: Benign for Dermatofibrosis lenticularis disseminata. Last evaluated: 2018-01-12. Review status: criteria provided, single submitter. Criteria: ICSL Variant Classification Criteria 13 December 2019. Collection method: clinical testing. Allele origin: germline.
Comment: This variant was observed in the ICSL laboratory as part of a predisposition screen in an ostensibly healthy population. It had not been previously curated by ICSL or reported in the Human Gene Mutation Database (HGMD: prior to June 1st, 2018), and was therefore a candidate for classification through an automated scoring system. Utilizing variant allele frequency, disease prevalence and penetrance estimates, and inheritance mode, an automated score was calculated to assess if this variant is too frequent to cause the disease. Based on the score and internal cut-off values, a variant classified as benign is not then subjected to further curation. The score for this variant resulted in a classification of benign for this disease.

Breakthrough Genomics
Classification: Benign. Review status: criteria provided, single submitter. Criteria: ACMG Guidelines, 2015. Collection method: not provided. Allele origin: germline. Inheritance: Autosomal dominant inheritance. Affected: yes.

NM_014319.5(LEMD3):c.*476C>T

Gene: LEMD3 (LEM domain containing 3; plus strand). Cytogenetic location: 12q14.3.
Variant type: single nucleotide variant.
Coding change: c.*476C>T on transcript NM_014319.5 (MANE Select); 476 bases downstream of the stop codon, C replaced by T.
Molecular consequence: 3 prime UTR variant.
Genome position (GRCh38, 1-based): chr12:65,246,801, C>T. VCF-style: chr12-65246801-C-T. GRCh37 (hg19) VCF-style: chr12-65640581-C-T.
Other names: c.*476C>T (NM_001167614.2).
Identifiers: ClinVar variation 310245 (VCV000310245.6), dbSNP rs144515474, ClinGen allele CA10638403.